The following is an entry in ClinVar:

NM_002618.4(PEX13):c.581G>A (p.Arg194Gln)

Gene: PEX13 (peroxisomal biogenesis factor 13; plus strand). Cytogenetic location: 2p15.
Variant type: single nucleotide variant.
Coding change: c.581G>A on transcript NM_002618.4 (MANE Select); coding-DNA position 581, G replaced by A.
Protein change: p.Arg194Gln; replaces arginine 194 with glutamine.
Molecular consequence: missense variant.
Genome position (GRCh38, 1-based): chr2:61,031,907, G>A. VCF-style: chr2-61031907-G-A. GRCh37 (hg19) VCF-style: chr2-61259042-G-A.
Other names: short protein forms R194Q.
Identifiers: ClinVar variation 898444 (VCV000898444.9), dbSNP rs761487103, ClinGen allele CA1673316.

ClinVar aggregate classification (germline): Uncertain significance. Review status: criteria provided, multiple submitters, no conflicts (2 of 4 stars). 3 submissions from 3 submitters: Uncertain significance (3). Last evaluated 2022-09-13.

Conditions:
Peroxisome biogenesis disorder 11A (Zellweger). Also called: Peroxisome biogenesis disorder 11A. Identifiers: Orphanet 912, MedGen C3554000, MONDO:0013949, OMIM 614883.

Allele frequency attached by ClinVar (database versions not stated): ExAC 0.00001; gnomAD 0.00001; gnomAD exomes 0.00002; TOPMed 0.00003.
gnomAD v4.1: 15 of 1,613,918 alleles (0.00093%); highest among the groups gnomAD compares: South Asian, 0.0022%; no homozygotes.

Submissions (3):

Labcorp Genetics (formerly Invitae), Labcorp
Classification: Uncertain significance for Peroxisome biogenesis disorder 11A (Zellweger). Last evaluated: 2022-09-13. Review status: criteria provided, single submitter. Criteria: Invitae Variant Classification Sherloc (09022015). Collection method: clinical testing. Allele origin: germline.
Comment: This sequence change replaces arginine, which is basic and polar, with glutamine, which is neutral and polar, at codon 194 of the PEX13 protein (p.Arg194Gln). This variant is present in population databases (rs761487103, gnomAD 0.006%). This variant has not been reported in the literature in individuals affected with PEX13-related conditions. ClinVar contains an entry for this variant (Variation ID: 898444). Advanced modeling of protein sequence and biophysical properties (such as structural, functional, and spatial information, amino acid conservation, physicochemical variation, residue mobility, and thermodynamic stability) performed at Invitae indicates that this missense variant is not expected to disrupt PEX13 protein function. Algorithms developed to predict the effect of sequence changes on RNA splicing suggest that this variant may create or strengthen a splice site. In summary, the available evidence is currently insufficient to determine the role of this variant in disease. Therefore, it has been classified as a Variant of Uncertain Significance.

Blueprint Genetics
Classification: Uncertain significance. Last evaluated: 2022-03-18. Review status: criteria provided, single submitter. Criteria: ACMG Guidelines, 2015. Collection method: clinical testing. Allele origin: germline.

Illumina Laboratory Services, Illumina
Classification: Uncertain significance for Peroxisome biogenesis disorder 11A (Zellweger). Last evaluated: 2018-01-12. Review status: criteria provided, single submitter. Criteria: ICSL Variant Classification Criteria 13 December 2019. Collection method: clinical testing. Allele origin: germline.